The following is an entry in ClinVar:

NM_015559.3(SETBP1):c.178G>A (p.Glu60Lys)

Gene: SETBP1 (SET binding protein 1; plus strand). Cytogenetic location: 18q12.3.
Variant type: single nucleotide variant.
Coding change: c.178G>A on transcript NM_015559.3 (MANE Select); coding-DNA position 178, G replaced by A.
Protein change: p.Glu60Lys; replaces glutamic acid 60 with lysine.
Molecular consequence: missense variant.
Genome position (GRCh38, 1-based): chr18:44,701,524, G>A. VCF-style: chr18-44701524-G-A. GRCh37 (hg19) VCF-style: chr18-42281489-G-A.
Other names: c.178G>A, p.Glu60Lys (NM_001130110.2, NM_001379141.1, NM_001379142.1 and 1 more transcripts); short protein forms E60K.
Identifiers: ClinVar variation 2887227 (VCV002887227.3), dbSNP rs2069115983, ClinGen allele CA402481594.
Genomic context (GRCh38, chr18:44,701,524, plus strand): 5'-TCCACTCCAGGACCTGGGAAGGGGATCCCGGTGGGCGGAGAGCGCATGGAGCCAGAGGAG[G>A]AGGATGAACTAGGCTCAGGGCGGGATGTGGATTCCAACTCCAACGCGGACAGTGAGAAAT-3'
Protein context (NP_056374.2, residues 50-70): VGGERMEPEE[Glu60Lys]DELGSGRDVD

ClinVar aggregate classification (germline): Uncertain significance (1 of 4 stars; one submission).

Allele frequency attached by ClinVar (database versions not stated): TOPMed below 0.00001.

Submission:

Labcorp Genetics (formerly Invitae), Labcorp
Classification: Uncertain significance. Last evaluated: 2023-10-16. Review status: criteria provided, single submitter. Criteria: Invitae Variant Classification Sherloc (09022015). Collection method: clinical testing. Allele origin: germline.
Comment: This sequence change replaces glutamic acid, which is acidic and polar, with lysine, which is basic and polar, at codon 60 of the SETBP1 protein (p.Glu60Lys). This variant is not present in population databases (gnomAD no frequency). This variant has not been reported in the literature in individuals affected with SETBP1-related conditions. An algorithm developed to predict the effect of missense changes on protein structure and function (PolyPhen-2) suggests that this variant is likely to be disruptive. In summary, the available evidence is currently insufficient to determine the role of this variant in disease. Therefore, it has been classified as a Variant of Uncertain Significance.